The following is an entry in ClinVar:

NM_002485.5(NBN):c.2210A>T (p.Glu737Val)

Gene: NBN (nibrin; minus strand). Cytogenetic location: 8q21.3.
Variant type: single nucleotide variant.
Coding change: c.2210A>T on transcript NM_002485.5 (MANE Select); coding-DNA position 2210, A replaced by T.
Protein change: p.Glu737Val; replaces glutamic acid 737 with valine.
Molecular consequence: missense variant.
Genome position (GRCh38, 1-based): chr8:89,937,050, T>A on the plus strand (A>T on the coding strand, the complement: NBN is on the minus strand). VCF-style: chr8-89937050-T-A. GRCh37 (hg19) VCF-style: chr8-90949278-T-A.
Other names: c.1964A>T, p.Glu655Val (NM_001024688.3); short protein forms E737V, E655V.
Identifiers: ClinVar variation 461546 (VCV000461546.18), dbSNP rs1554554247, ClinGen allele CA371674784.

ClinVar aggregate classification (germline): Uncertain significance. Review status: criteria provided, multiple submitters, no conflicts (2 of 4 stars). 4 submissions from 4 submitters: Uncertain significance (4). Last evaluated 2024-03-14.

Conditions:
Hereditary cancer-predisposing syndrome. Also called: Hereditary neoplastic syndrome; Neoplastic Syndromes, Hereditary; Tumor predisposition; Hereditary Cancer Syndrome. Identifiers: Orphanet 140162, MedGen C0027672, MeSH D009386, MONDO:0015356.
Aplastic anemia. Identifiers: Orphanet 182040, Orphanet 88, MedGen C0002874, MONDO:0015909, OMIM 609135, HP:0001915.
Microcephaly, normal intelligence and immunodeficiency (NBS). Also called: IMMUNODEFICIENCY, MICROCEPHALY, AND CHROMOSOMAL INSTABILITY; SEEMANOVA SYNDROME II; Nijmegen breakage syndrome; Microcephaly with normal intelligence immunodeficiency and lymphoreticular malignancies; Nonsyndromal microcephaly autosomal recessive with normal intelligence; Seemanova syndrome 2. Identifiers: Orphanet 647, MedGen C0398791, MONDO:0009623, OMIM 251260.

Submissions (4):

Ambry Genetics
Classification: Uncertain significance for Hereditary cancer-predisposing syndrome. Last evaluated: 2024-03-14. Review status: criteria provided, single submitter. Criteria: Ambry Variant Classification Scheme 2023. Collection method: clinical testing. Allele origin: germline.
Comment: The p.E737V variant (also known as c.2210A>T), located in coding exon 15 of the NBN gene, results from an A to T substitution at nucleotide position 2210. The glutamic acid at codon 737 is replaced by valine, an amino acid with dissimilar properties. This amino acid position is well conserved in available vertebrate species. In addition, the in silico prediction for this alteration is inconclusive. Since supporting evidence is limited at this time, the clinical significance of this alteration remains unclear.

Baylor Genetics
Classification: Uncertain significance for Aplastic anemia. Last evaluated: 2023-09-09. Review status: criteria provided, single submitter. Criteria: ACMG Guidelines, 2015. Collection method: clinical testing. Allele origin: unknown.

Labcorp Genetics (formerly Invitae), Labcorp
Classification: Uncertain significance for Microcephaly, normal intelligence and immunodeficiency. Last evaluated: 2023-07-15. Review status: criteria provided, single submitter. Criteria: Invitae Variant Classification Sherloc (09022015). Collection method: clinical testing. Allele origin: germline.
Comment: In summary, the available evidence is currently insufficient to determine the role of this variant in disease. Therefore, it has been classified as a Variant of Uncertain Significance. An algorithm developed to predict the effect of missense changes on protein structure and function (PolyPhen-2) suggests that this variant is likely to be disruptive. ClinVar contains an entry for this variant (Variation ID: 461546). This variant has not been reported in the literature in individuals affected with NBN-related conditions. This variant is not present in population databases (gnomAD no frequency). This sequence change replaces glutamic acid, which is acidic and polar, with valine, which is neutral and non-polar, at codon 737 of the NBN protein (p.Glu737Val).

Genome-Nilou Lab
Classification: Uncertain significance for Microcephaly, normal intelligence and immunodeficiency. Last evaluated: 2021-11-07. Review status: criteria provided, single submitter. Criteria: ACMG Guidelines, 2015. Collection method: clinical testing. Allele origin: germline. Affected: no.